The following is an entry in ClinVar:

ClinVar aggregate classification (germline): Pathogenic (1 of 4 stars; one submission).

Conditions:
Familial cancer of breast. Also called: Hereditary breast cancer; BREAST CANCER, FAMILIAL; hereditary breast carcinoma. Identifiers: Orphanet 227535, MedGen C0346153, MONDO:0016419, OMIM 114480. Disease mechanism: loss of function.

Submission:

Myriad Genetics, Inc.
Classification: Pathogenic for Familial cancer of breast. Last evaluated: 2023-05-31. Review status: criteria provided, single submitter. Criteria: Myriad Autosomal Dominant, Autosomal Recessive and X-Linked Classification Criteria (2023). Collection method: clinical testing. Allele origin: unknown.
Comment: This variant is considered pathogenic. This variant creates a frameshift predicted to result in premature protein truncation.

NM_032043.3(BRIP1):c.727dup (p.Ile243fs)

Gene: BRIP1 (BRCA1 interacting DNA helicase 1; minus strand). Cytogenetic location: 17q23.2.
Variant type: Duplication.
Coding change: c.727dup on transcript NM_032043.3 (MANE Select); coding-DNA position 727, one base duplicated (A; older notation c.727dupA).
Protein change: p.Ile243fs; shifts the reading frame from isoleucine 243.
Molecular consequence: frameshift variant.
Genome position (GRCh38, 1-based): chr17:61,808,658, T duplicated on the plus strand (A on the coding strand, the reverse complement: BRIP1 is on the minus strand). VCF-style (leftmost placement, unchanged base first): chr17-61808657-A-AT. GRCh37 (hg19) VCF-style: chr17-59886018-A-AT.
Other names: short protein forms I243fs.
Identifiers: ClinVar variation 2583347 (VCV002583347.2), dbSNP rs2545198049, ClinGen allele CA2582342251.